The following is an entry in ClinVar:

NM_001369268.1(ACAN):c.6308C>T (p.Thr2103Met)

Gene: ACAN (aggrecan; plus strand). Cytogenetic location: 15q26.1.
Variant type: single nucleotide variant.
Coding change: c.6308C>T on transcript NM_001369268.1 (MANE Select); coding-DNA position 6308, C replaced by T.
Protein change: p.Thr2103Met; replaces threonine 2103 with methionine.
Molecular consequence: missense variant.
Genome position (GRCh38, 1-based): chr15:88,858,893, C>T. VCF-style: chr15-88858893-C-T. GRCh37 (hg19) VCF-style: chr15-89402124-C-T.
Other names: c.6308C>T, p.Thr2103Met (NM_001135.4, NM_013227.4); short protein forms T2103M.
Identifiers: ClinVar variation 1034409 (VCV001034409.2), dbSNP rs375589819, ClinGen allele CA7720376.
Genomic context (GRCh38, chr15:88,858,893, plus strand): 5'-CCCCAGTGCTCCCTGGGTCTGGAGTAGAAGTATCATCAGTCCCAGAATCTAGCAGTGAGA[C>T]GTCCGCCTATCCTGAAGCTGGGTTCGGGGCATCTGCCGCCCCTGAGGCCAGCAGAGAAGA-3'
Protein context (NP_001356197.1, residues 2093-2113): VSSVPESSSE[Thr2103Met]SAYPEAGFGA

ClinVar aggregate classification (germline): Uncertain significance. Review status: criteria provided, multiple submitters, no conflicts (2 of 4 stars). 2 submissions from 2 submitters: Uncertain significance (2). Last evaluated 2023-10-03.

Conditions:
Inborn genetic diseases. Identifiers: MedGen C0950123, MeSH D030342.
Osteochondritis dissecans. Identifiers: Orphanet 251262, Orphanet 2764, MedGen C0029421, MONDO:0017178, HP:0010886.

Allele frequency attached by ClinVar (database versions not stated): ExAC 0.00008; ESP Exome Variant Server 0.00008; gnomAD 0.00013 and 0.00016; gnomAD exomes 0.00017; TOPMed 0.00020.
gnomAD v4.1: 152 of 1,609,182 alleles (0.0094%); highest among the groups gnomAD compares: Admixed American, 0.049%; no homozygotes.

Submissions (2):

Ambry Genetics
Classification: Uncertain significance for Inborn genetic diseases. Last evaluated: 2023-10-03. Review status: criteria provided, single submitter. Criteria: Ambry Variant Classification Scheme 2023. Collection method: clinical testing. Allele origin: germline.

Baylor Genetics
Classification: Uncertain significance for Short stature and advanced bone age, with or without early-onset osteoarthritis and/or osteochondritis dissecans. Last evaluated: 2018-07-30. Review status: criteria provided, single submitter. Criteria: ACMG Guidelines, 2015. Collection method: clinical testing. Allele origin: maternal. Affected: yes.
Comment: This variant was determined to be of uncertain significance according to ACMG Guidelines, 2015 [PMID:25741868].